The following is an entry in ClinVar:

ClinVar aggregate classification (germline): Uncertain significance. Review status: criteria provided, multiple submitters, no conflicts (2 of 4 stars). 4 submissions from 4 submitters: Uncertain significance (4). Last evaluated 2025-08-13.

Conditions:
Inborn genetic diseases. Identifiers: MedGen C0950123, MeSH D030342.
Weill-Marchesani 4 syndrome, recessive. Also called: Weill-Marchesani syndrome 4. Identifiers: Orphanet 363992, MedGen C2750787, MONDO:0013176, OMIM 613195.

Allele frequency attached by ClinVar (database versions not stated): ESP Exome Variant Server 0.00015; TOPMed 0.00016; gnomAD 0.00018 and 0.00019; ExAC 0.00028; gnomAD exomes 0.00029 and 0.00034.
gnomAD v4.1: 524 of 1,613,984 alleles (0.032%); highest among the groups gnomAD compares: Non-Finnish European, 0.037%; no homozygotes.

Submissions (4):

Mayo Clinic Laboratories, Mayo Clinic
Classification: Uncertain significance. Last evaluated: 2025-08-13. Review status: criteria provided, single submitter. Criteria: ACMG Guidelines, 2015. Collection method: clinical testing. Allele origin: germline. Observed: 1 variant allele.
Comment: BP4_moderate

Labcorp Genetics (formerly Invitae), Labcorp
Classification: Uncertain significance. Last evaluated: 2022-08-15. Review status: criteria provided, single submitter. Criteria: Invitae Variant Classification Sherloc (09022015). Collection method: clinical testing. Allele origin: germline.
Comment: This sequence change replaces threonine, which is neutral and polar, with methionine, which is neutral and non-polar, at codon 983 of the ADAMTS17 protein (p.Thr983Met). This variant is present in population databases (rs142633005, gnomAD 0.05%). This variant has not been reported in the literature in individuals affected with ADAMTS17-related conditions. ClinVar contains an entry for this variant (Variation ID: 884551). Algorithms developed to predict the effect of missense changes on protein structure and function are either unavailable or do not agree on the potential impact of this missense change (SIFT: "Not Available"; PolyPhen-2: "Possibly Damaging"; Align-GVGD: "Not Available"). In summary, the available evidence is currently insufficient to determine the role of this variant in disease. Therefore, it has been classified as a Variant of Uncertain Significance.

Ambry Genetics
Classification: Uncertain significance for Inborn genetic diseases. Last evaluated: 2022-05-26. Review status: criteria provided, single submitter. Criteria: Ambry Variant Classification Scheme 2023. Collection method: clinical testing. Allele origin: germline.

Illumina Laboratory Services, Illumina
Classification: Uncertain significance for Weill-Marchesani 4 syndrome, recessive. Last evaluated: 2018-01-13. Review status: criteria provided, single submitter. Criteria: ICSL Variant Classification Criteria 13 December 2019. Collection method: clinical testing. Allele origin: germline.

Literature cited by the submitters: PubMed 37506754 (cited by Mayo Clinic Laboratories, Mayo Clinic).

NM_139057.4(ADAMTS17):c.2948C>T (p.Thr983Met)

Gene: ADAMTS17 (ADAM metallopeptidase with thrombospondin type 1 motif 17; minus strand). Cytogenetic location: 15q26.3.
Variant type: single nucleotide variant.
Coding change: c.2948C>T on transcript NM_139057.4 (MANE Select); coding-DNA position 2948, C replaced by T.
Protein change: p.Thr983Met; replaces threonine 983 with methionine.
Molecular consequence: missense variant.
Genome position (GRCh38, 1-based): chr15:99,993,049, G>A on the plus strand (C>T on the coding strand, the complement: ADAMTS17 is on the minus strand). VCF-style: chr15-99993049-G-A. GRCh37 (hg19) VCF-style: chr15-100533254-G-A.
Other names: p.Thr983Met; short protein forms T983M.
Identifiers: ClinVar variation 884551 (VCV000884551.8), dbSNP rs142633005, ClinGen allele CA7757528.